The following is an entry in ClinVar:

ClinVar aggregate classification (germline): Uncertain significance (1 of 4 stars; one submission).

Allele frequency attached by ClinVar (database versions not stated): gnomAD exomes below 0.00001.
gnomAD v4.1: 1 of 1,611,660 alleles (0.000062%); highest among the groups gnomAD compares: Non-Finnish European, 0.000085%; no homozygotes.

Submission:

Labcorp Genetics (formerly Invitae), Labcorp
Classification: Uncertain significance. Last evaluated: 2023-09-03. Review status: criteria provided, single submitter. Criteria: Invitae Variant Classification Sherloc (09022015). Collection method: clinical testing. Allele origin: germline.
Comment: This sequence change affects codon 112 of the SCN3A mRNA. It is a 'silent' change, meaning that it does not change the encoded amino acid sequence of the SCN3A protein. This variant is not present in population databases (gnomAD no frequency). This variant has not been reported in the literature in individuals affected with SCN3A-related conditions. Algorithms developed to predict the effect of sequence changes on RNA splicing suggest that this variant may disrupt the consensus splice site. In summary, the available evidence is currently insufficient to determine the role of this variant in disease. Therefore, it has been classified as a Variant of Uncertain Significance.

NM_006922.4(SCN3A):c.336T>C (p.Thr112=)

Gene: SCN3A (sodium voltage-gated channel alpha subunit 3; minus strand). Cytogenetic location: 2q24.3.
Variant type: single nucleotide variant.
Coding change: c.336T>C on transcript NM_006922.4 (MANE Select); coding-DNA position 336, T replaced by C.
Protein change: p.Thr112=; no amino-acid change (threonine 112 retained).
Molecular consequence: synonymous variant.
Genome position (GRCh38, 1-based): chr2:165,170,477, A>G on the plus strand (T>C on the coding strand, the complement: SCN3A is on the minus strand). VCF-style: chr2-165170477-A-G. GRCh37 (hg19) VCF-style: chr2-166026987-A-G.
Other names: c.336T>C, p.Thr112= (NM_001081676.2, NM_001081677.2).
Identifiers: ClinVar variation 2757453 (VCV002757453.3), dbSNP rs2468530502, ClinGen allele CA429931108.
Genomic context (GRCh38, chr2:165,170,477, plus strand): 5'-ATTAAAAGGATATGAATGTACCAAAATCTTGATAGCAATTTTCCTAACAGGGTTTAGTGG[A>G]GTTAAAATATACAAGGCAGAGGTGGCACTGAATCGGAAAATTGCCTTTCCTTTATTCATT-3'
Protein context (NP_008853.3, residues 102-122): FSATSALYIL[Thr112=]PLNPVRKIAI